The following is an entry in ClinVar:

NM_014491.4(FOXP2):c.1432C>T (p.Arg478Ter)

Gene: FOXP2 (forkhead box P2; plus strand). Cytogenetic location: 7q31.1.
Variant type: single nucleotide variant.
Coding change: c.1432C>T on transcript NM_014491.4 (MANE Select); coding-DNA position 1432, C replaced by T.
Protein change: p.Arg478Ter; replaces arginine 478 with a stop codon.
Molecular consequence: nonsense. On other transcripts: non-coding transcript variant (1).
Genome position (GRCh38, 1-based): chr7:114,658,231, C>T. VCF-style: chr7-114658231-C-T. GRCh37 (hg19) VCF-style: chr7-114298286-C-T.
Other names: c.1429C>T, p.Arg477Ter (NM_001172766.3); c.1507C>T, p.Arg503Ter (NM_148898.4); c.1483C>T, p.Arg495Ter (NM_148900.4); short protein forms R477*, R478*, R495*, R503*.
Identifiers: ClinVar variation 1119985 (VCV001119985.9), dbSNP rs1474090446, ClinGen allele CA368965211.

ClinVar aggregate classification (germline): Pathogenic. Review status: criteria provided, multiple submitters, no conflicts (2 of 4 stars). 3 submissions from 3 submitters: Pathogenic (2). 1 of the submissions does not count toward it. Last evaluated 2025-12-31.

Conditions:
Childhood apraxia of speech (SPCH1). Also called: DEVELOPMENTAL VERBAL DYSPRAXIA; SPEECH AND LANGUAGE DISORDER WITH OROFACIAL DYSPRAXIA; Speech language disorder; FOXP2-Related Speech and Language Disorder. Identifiers: Orphanet 209908, MedGen C0750927, MONDO:0011184, OMIM 602081.

Allele frequency attached by ClinVar (database versions not stated): gnomAD exomes below 0.00001.
gnomAD v4.1: 1 of 1,613,746 alleles (0.000062%); highest among the groups gnomAD compares: Non-Finnish European, 0.000085%; no homozygotes.

Submissions (3):

GeneDx
Classification: Pathogenic. Last evaluated: 2025-12-31. Review status: criteria provided, single submitter. Criteria: GeneDx Variant Classification Process June 2021. Collection method: clinical testing. Allele origin: germline. Affected: yes.
Comment: Nonsense variant predicted to result in protein truncation or nonsense mediated decay in a gene for which loss of function is a known mechanism of disease; Not observed at significant frequency in large population cohorts (gnomAD); Also known as c.1507C>T p.(R503*) using alternate nomenclature; This variant is associated with the following publications: (PMID: 35982160, 36328423, 35982159, 28714951, 31981491, 27572252, 39587513)

Victorian Clinical Genetics Services, Murdoch Childrens Research Institute
Classification: Pathogenic for Childhood apraxia of speech. Last evaluated: 2022-09-02. Review status: criteria provided, single submitter. Criteria: ACMG Guidelines, 2015. Collection method: clinical testing. Allele origin: germline. Inheritance: Autosomal dominant inheritance. Affected: yes.
Comment: A heterozygous nonsense variant was identified, NM_014491.3(FOXP2):c.1432C>T in exon 11 of 17 of the FOXP2 gene. (NB: This variant is non-coding in alternative transcripts). This nonsense variant is predicted to create a change of an arginine to a stop at amino acid position 478 of the protein; NP_055306.1(FOXP2):p.(Arg478*), resulting in the loss of normal protein function through nonsense-mediated decay (NMD). The variant is present in the gnomAD population database at a frequency of 0.0004% (1 heterozygote, 0 homozygotes). The variant has been previously reported in two families with developmental speech and language disorder and was shown to segregate with the disease in one family (Reuter, M. et al. (2017)). Other variants predicted to cause NMD have been reported as pathogenic in individuals with the same condition (ClinVar). Based on information available at the time of curation, this variant has been classified as PATHOGENIC.

GeneReviews
No classification provided. Condition: Childhood apraxia of speech. Review status: no classification provided. Collection method: literature only. Allele origin: germline. Not counted in ClinVar's aggregate classification.

Literature cited by the submitters: PubMed 27572252 (cited by Victorian Clinical Genetics Services, Murdoch Childrens Research Institute and GeneReviews); PubMed 27336128 (cited by GeneReviews).